The following is an entry in ClinVar:

ClinVar aggregate classification (germline): Likely pathogenic (1 of 4 stars; one submission).

Conditions:
Myopathy, proximal, and ophthalmoplegia (CMYO6). Also called: CONGENITAL MYOPATHY 6 WITH OPHTHALMOPLEGIA; MYOPATHY WITH CONGENITAL JOINT CONTRACTURES, OPHTHALMOPLEGIA, AND RIMMED VACUOLES; INCLUSION BODY MYOPATHY 3, AUTOSOMAL DOMINANT. Identifiers: Orphanet 363677, Orphanet 79091, MedGen C1854106, MONDO:0011577, OMIM 605637.

Submission:

Juno Genomics, Hangzhou Juno Genomics, Inc
Classification: Likely pathogenic for Myopathy, proximal, and ophthalmoplegia. Review status: criteria provided, single submitter. Criteria: ACMG Guidelines, 2015. Collection method: clinical testing. Allele origin: germline.
Comment: Null variant in a gene where loss of function (LOF) is a known mechanism of disease.;Absent from controls (or at extremely low frequency if recessive) in Genome Aggregation Database.

NM_017534.6(MYH2):c.1501C>T (p.Gln501Ter)

Genes: MYH2 (myosin heavy chain 2; minus strand), MYHAS (myosin heavy chain gene cluster antisense RNA; plus strand). Cytogenetic location: 17p13.1.
Variant type: single nucleotide variant.
Coding change: c.1501C>T on transcript NM_017534.6 (MANE Select); coding-DNA position 1501, C replaced by T.
Protein change: p.Gln501Ter; replaces glutamine 501 with a stop codon.
Molecular consequence: nonsense.
Genome position (GRCh38, 1-based): chr17:10,537,751, G>A on the plus strand (C>T on the coding strand, the complement: MYH2 is on the minus strand). VCF-style: chr17-10537751-G-A. GRCh37 (hg19) VCF-style: chr17-10441068-G-A.
Other names: c.1501C>T, p.Gln501Ter (NM_001100112.2); short protein forms Q501*.
Identifiers: ClinVar variation 5005676 (VCV005005676.2).